The following is an entry in ClinVar:

NM_000384.3(APOB):c.3153C>A (p.Phe1051Leu)

Gene: APOB (apolipoprotein B; minus strand). Cytogenetic location: 2p24.1.
Variant type: single nucleotide variant.
Coding change: c.3153C>A on transcript NM_000384.3 (MANE Select); coding-DNA position 3153, C replaced by A.
Protein change: p.Phe1051Leu; replaces phenylalanine 1051 with leucine.
Molecular consequence: missense variant.
Genome position (GRCh38, 1-based): chr2:21,016,618, G>T on the plus strand (C>A on the coding strand, the complement: APOB is on the minus strand). VCF-style: chr2-21016618-G-T. GRCh37 (hg19) VCF-style: chr2-21239490-G-T.
Other names: c.3153C>A (NM_000384.2); short protein forms F1051L.
Identifiers: ClinVar variation 3763655 (VCV003763655.3).
Genomic context (GRCh38, chr2:21,016,618, plus strand): 5'-AACATCAAAATCCGGAATTTGGACTTCACTGGACAAGGTCATACTCTGCCGATTATATTT[G>T]AATGTCATGGTAGCCTCAGTCTGCTTCGCACCTGGACGAGTGTATAAGAGAATCAAGAGA-3'
Protein context (NP_000375.3, residues 1041-1061): GAKQTEATMT[Phe1051Leu]KYNRQSMTLS

ClinVar aggregate classification (germline): Uncertain significance. Review status: criteria provided, multiple submitters, no conflicts (2 of 4 stars). 2 submissions from 2 submitters: Uncertain significance (2). Last evaluated 2024-11-04.

Conditions:
Familial hypobetalipoproteinemia 1. Also called: Hypobetalipoproteinemia, normotriglyceridemic; Acanthocytosis with hypobetalipoproteinemia; APOB-Related Familial Hypobetalipoproteinemia. Identifiers: MedGen C4551990, MONDO:0014252, OMIM 615558.
Hypercholesterolemia, autosomal dominant, type B (FHCL2). Also called: APOB-Related Familial Hypercholesterolemia, Autosomal Dominant; Familial Hypercholesterolemia Type B; APOLIPOPROTEIN B-100, FAMILIAL DEFECTIVE; APOLIPOPROTEIN B-100, FAMILIAL LIGAND-DEFECTIVE; HYPERCHOLESTEROLEMIA, FAMILIAL, DUE TO LIGAND-DEFECTIVE APOLIPOPROTEIN B; Familial hypercholesterolemia 2. Identifiers: MedGen C1704417, MONDO:0007751, OMIM 144010.

gnomAD v4.1: 4 of 1,610,780 alleles (0.00025%); highest among the groups gnomAD compares: Admixed American, 0.005%; no homozygotes.

Submissions (2):

GeneDx
Classification: Uncertain significance. Last evaluated: 2024-11-04. Review status: criteria provided, single submitter. Criteria: GeneDx Variant Classification Process June 2021. Collection method: clinical testing. Allele origin: germline. Affected: yes.
Comment: Has not been previously published as pathogenic or benign to our knowledge; Not observed at significant frequency in large population cohorts (gnomAD); In silico analysis indicates that this missense variant does not alter protein structure/function

Labcorp Genetics (formerly Invitae), Labcorp
Classification: Uncertain significance for Familial hypobetalipoproteinemia 1; Hypercholesterolemia, autosomal dominant, type B. Last evaluated: 2024-05-16. Review status: criteria provided, single submitter. Criteria: Invitae Variant Classification Sherloc (09022015). Collection method: clinical testing. Allele origin: germline.
Comment: This sequence change replaces phenylalanine, which is neutral and non-polar, with leucine, which is neutral and non-polar, at codon 1051 of the APOB protein (p.Phe1051Leu). This variant is not present in population databases (gnomAD no frequency). This variant has not been reported in the literature in individuals affected with APOB-related conditions. Advanced modeling of protein sequence and biophysical properties (such as structural, functional, and spatial information, amino acid conservation, physicochemical variation, residue mobility, and thermodynamic stability) performed at Invitae indicates that this missense variant is not expected to disrupt APOB protein function with a negative predictive value of 95%. In summary, the available evidence is currently insufficient to determine the role of this variant in disease. Therefore, it has been classified as a Variant of Uncertain Significance.